The following is an entry in ClinVar:

ClinVar aggregate classification (germline): Uncertain significance (1 of 4 stars; one submission).

gnomAD v4.1: 1 of 1,613,816 alleles (0.000062%); highest among the groups gnomAD compares: Admixed American, 0.0017%; no homozygotes.

Submission:

Ambry Genetics
Classification: Uncertain significance. Last evaluated: 2024-09-18. Review status: criteria provided, single submitter. Criteria: Ambry Variant Classification Scheme 2023. Collection method: clinical testing. Allele origin: germline.
Comment: The p.E124Q variant (also known as c.370G>C), located in coding exon 4 of the NQO1 gene, results from a G to C substitution at nucleotide position 370. The glutamic acid at codon 124 is replaced by glutamine, an amino acid with highly similar properties. This amino acid position is conserved. In addition, this alteration is predicted to be tolerated by in silico analysis. Based on the available evidence, the clinical significance of this variant remains unclear.

NM_000903.3(NQO1):c.370G>C (p.Glu124Gln)

Gene: NQO1 (NAD(P)H quinone dehydrogenase 1; minus strand). Cytogenetic location: 16q22.1.
Variant type: single nucleotide variant.
Coding change: c.370G>C on transcript NM_000903.3 (MANE Select); coding-DNA position 370, G replaced by C.
Protein change: p.Glu124Gln; replaces glutamic acid 124 with glutamine.
Molecular consequence: missense variant. On other transcripts: intron variant (2).
Genome position (GRCh38, 1-based): chr16:69,715,011, C>G on the plus strand (G>C on the coding strand, the complement: NQO1 is on the minus strand). VCF-style: chr16-69715011-C-G. GRCh37 (hg19) VCF-style: chr16-69748914-C-G.
Other names: c.370G>C, p.Glu124Gln (NM_001025433.2); c.303+3112G>C (NM_001286137.2); c.304-1882G>C (NM_001025434.2); short protein forms E124Q.
Identifiers: ClinVar variation 3407566 (VCV003407566.1).